The following is an entry in ClinVar:

ClinVar aggregate classification (germline): Likely benign. Review status: criteria provided, multiple submitters, no conflicts (2 of 4 stars). 4 submissions from 4 submitters: Likely benign (3). 1 of the submissions does not count toward it. Last evaluated 2026-03-01.

Conditions:
MEF2C-related disorder. Also called: MEF2C-related condition; MEF2C-related disorders. Identifiers: MedGen CN381096.
Neurodevelopmental disorder with hypotonia, stereotypic hand movements, and impaired language. Also called: Intellectual disability, autosomal dominant 20. Identifiers: Orphanet 228384, Orphanet 664410, MedGen C3150700, MONDO:0013266, OMIM 613443.

Allele frequency attached by ClinVar (database versions not stated): gnomAD exomes 0.00005; TOPMed 0.00006; ExAC 0.00007; gnomAD 0.00021.
gnomAD v4.1: 104 of 1,609,584 alleles (0.0065%); highest among the groups gnomAD compares: African/African-American, 0.024%; 1 homozygote.

Submissions (4):

CeGaT Center for Human Genetics Tuebingen
Classification: Likely benign. Last evaluated: 2026-03-01. Review status: criteria provided, single submitter. Criteria: CeGaT Center For Human Genetics Tuebingen Variant Classification Criteria Version 2. Collection method: clinical testing. Allele origin: germline. Affected: yes. Observed: 3 variant alleles.
Comment: MEF2C: BP4, BP7

Labcorp Genetics (formerly Invitae), Labcorp
Classification: Likely benign for Neurodevelopmental disorder with hypotonia, stereotypic hand movements, and impaired language. Last evaluated: 2025-10-27. Review status: criteria provided, single submitter. Criteria: Invitae Variant Classification Sherloc (09022015). Collection method: clinical testing. Allele origin: germline.

Blueprint Genetics
Classification: Likely benign. Last evaluated: 2024-09-11. Review status: criteria provided, single submitter. Criteria: ACMG Guidelines, 2015. Collection method: clinical testing. Allele origin: germline.

PreventionGenetics, part of Exact Sciences
Classification: Likely benign for MEF2C-related condition. Last evaluated: 2023-03-31. Review status: no assertion criteria provided. Collection method: clinical testing. Allele origin: germline. Not counted in ClinVar's aggregate classification.
Comment: This variant is classified as likely benign based on ACMG/AMP sequence variant interpretation guidelines (Richards et al. 2015 PMID: 25741868, with internal and published modifications).

NM_002397.5(MEF2C):c.27G>A (p.Thr9=)

Gene: MEF2C (myocyte enhancer factor 2C; minus strand). Cytogenetic location: 5q14.3.
Variant type: single nucleotide variant.
Coding change: c.27G>A on transcript NM_002397.5 (MANE Select); coding-DNA position 27, G replaced by A.
Protein change: p.Thr9=; no amino-acid change (threonine 9 retained).
Molecular consequence: synonymous variant.
Genome position (GRCh38, 1-based): chr5:88,823,762, C>T on the plus strand (G>A on the coding strand, the complement: MEF2C is on the minus strand). VCF-style: chr5-88823762-C-T. GRCh37 (hg19) VCF-style: chr5-88119579-C-T.
Other names: c.27G>A, p.Thr9= (NM_001364352.2, NM_001364354.2, NM_001364355.2 and 29 more transcripts); c.27G>A (NM_002397.4).
Identifiers: ClinVar variation 1151340 (VCV001151340.44), dbSNP rs540349899, ClinGen allele CA3337403.